The following is an entry in ClinVar:

ClinVar aggregate classification (germline): Pathogenic. Review status: reviewed by expert panel (3 of 4 stars). 22 submissions from 22 submitters: Pathogenic (1). 21 of the submissions do not count toward it. Last evaluated 2016-09-08.

Conditions:
Hereditary cancer-predisposing syndrome. Also called: Tumor predisposition; Neoplastic Syndromes, Hereditary; Hereditary Cancer Syndrome; Hereditary neoplastic syndrome. Identifiers: Orphanet 140162, MedGen C0027672, MeSH D009386, MONDO:0015356.
Breast neoplasm. Also called: Neoplasm of breast; Breast tumor; Neoplasm of the breast; Breast Neoplasms. Identifiers: MedGen C1458155, MeSH D001943, MONDO:0021100, HP:0100013. Disease mechanism: gain of function.
Hereditary breast ovarian cancer syndrome. Also called: Hereditary breast and ovarian cancer syndrome (HBOC); Hereditary breast and ovarian cancer syndrome; Hereditary breast and ovarian cancer; Hereditary breast and/or ovarian cancer syndrome; Breast and ovarian cancer; BRCA1- and BRCA2-Associated Hereditary Breast and Ovarian Cancer. Identifiers: Orphanet 145, MedGen C0677776, MeSH D061325, MONDO:0003582. Disease mechanism: loss of function.
Breast-ovarian cancer, familial, susceptibility to, 1 (BROVCA1). Also called: OVARIAN CANCER, SUSCEPTIBILITY TO; BRCA1 Hereditary Breast and Ovarian Cancer. Identifiers: Orphanet 145, MedGen C2676676, MONDO:0011450, OMIM 604370. Disease mechanism: loss of function.

Submissions 1 to 11 of 22:

Evidence-based Network for the Interpretation of Germline Mutant Alleles (ENIGMA)
Classification: Pathogenic for Breast-ovarian cancer, familial, susceptibility to, 1. Last evaluated: 2016-09-08. Review status: reviewed by expert panel. Criteria: ENIGMA BRCA1/2 Classification Criteria (2015). Collection method: curation. Allele origin: germline.
Comment: Variant allele predicted to encode a truncated non-functional protein.

KCCC/NGS Laboratory, Kuwait Cancer Control Center
Classification: Pathogenic for Breast-ovarian cancer, familial, susceptibility to, 1. Last evaluated: 2025-12-01. Review status: criteria provided, single submitter. Criteria: ACMG Guidelines, 2015. Collection method: clinical testing. Allele origin: germline. Inheritance: Autosomal dominant inheritance. Affected: yes. Not counted in ClinVar's aggregate classification.
Comment: A known pathogenic variant

Labcorp Genetics (formerly Invitae), Labcorp
Classification: Pathogenic for Hereditary breast ovarian cancer syndrome. Last evaluated: 2025-09-17. Review status: criteria provided, single submitter. Criteria: Invitae Variant Classification Sherloc (09022015). Collection method: clinical testing. Allele origin: germline. Not counted in ClinVar's aggregate classification.
Comment: This sequence change creates a premature translational stop signal (p.Leu1086*) in the BRCA1 gene. It is expected to result in an absent or disrupted protein product. Loss-of-function variants in BRCA1 are known to be pathogenic (PMID: 20104584). This variant is not present in population databases (gnomAD no frequency). This premature translational stop signal has been observed in individual(s) with breast and/or ovarian cancer (PMID: 9663595, 11857748, 23479189, 24884479, 24916970). This variant is also known as 3376T>G. ClinVar contains an entry for this variant (Variation ID: 54810). For these reasons, this variant has been classified as Pathogenic.

Baylor Genetics
Classification: Pathogenic for Breast-ovarian cancer, familial, susceptibility to, 1. Last evaluated: 2023-12-14. Review status: criteria provided, single submitter. Criteria: ACMG Guidelines, 2015. Collection method: clinical testing. Allele origin: unknown. Not counted in ClinVar's aggregate classification.

Neuberg Centre For Genomic Medicine, NCGM
Classification: Pathogenic for Breast-ovarian cancer, familial, susceptibility to, 1. Last evaluated: 2023-02-14. Review status: criteria provided, single submitter. Criteria: ACMG Guidelines, 2015. Collection method: clinical testing. Allele origin: germline. Inheritance: Autosomal dominant inheritance. Affected: yes. Not counted in ClinVar's aggregate classification.
Comment: The stop-gained variant c.3257T>G (p.Leu1086Ter) in the BRCA1 gene has been reported in heterozygous state in individuals with hereditary breast/ovarian cancer (Peixoto et al., 2015; Silva et al., 2014). The variant is novel (not in any individuals) in gnomAD Exomes and 1000 Genomes. This variant has been reported to the ClinVar database as Pathogenic (Multiple submissions). This variant is predicted to cause a loss of normal protein function through protein truncation. Loss of function variants has been previously reported to be disease-causing. For these reasons, this variant has been classified as Pathogenic.

Ambry Genetics
Classification: Pathogenic for Hereditary cancer-predisposing syndrome. Last evaluated: 2022-09-15. Review status: criteria provided, single submitter. Criteria: Ambry Variant Classification Scheme 2023. Collection method: clinical testing. Allele origin: germline. Not counted in ClinVar's aggregate classification.
Comment: The p.L1086* pathogenic mutation (also known as c.3257T>G) is located in coding exon 9 of the BRCA1 gene. This alteration results from a T to G substitution at nucleotide position 3257. This changes the amino acid from a leucine to a stop codon within coding exon 9. This alteration has been identified in numerous high-risk breast/ovarian cancer families (Wagner et al. Int J Cancer. 1998 Jul 29;77(3):354-60; Llort et al. Hum Mutat. 2002 Mar;19(3):307; Peixoto A, Clin. Genet. 2015 Jul;88(1):41-8; de Juan Jim&eacute;nez I et al. Fam. Cancer, 2013 Dec;12:767-77; Silva FC et al. BMC Med. Genet., 2014 May;15:55). Of note, this alteration is also known as 3376T>G in published literature. In addition to the clinical data presented in the literature, this alteration is expected to result in loss of function by premature protein truncation or nonsense-mediated mRNA decay. As such, this alteration is interpreted as a disease-causing mutation.

Clinical Genetics Laboratory, Skane University Hospital Lund
Classification: Pathogenic. Last evaluated: 2022-05-27. Review status: criteria provided, single submitter. Criteria: ACMG Guidelines, 2015. Collection method: clinical testing. Allele origin: germline. Affected: yes. Not counted in ClinVar's aggregate classification.

Color Diagnostics, LLC DBA Color Health
Classification: Pathogenic for Hereditary cancer-predisposing syndrome. Last evaluated: 2022-05-16. Review status: criteria provided, single submitter. Criteria: ACMG Guidelines, 2015. Collection method: clinical testing. Allele origin: germline. Not counted in ClinVar's aggregate classification.
Comment: This variant changes 1 nucleotide in exon 10 of the BRCA1 gene, creating a premature translation stop signal. This variant is expected to result in an absent or non-functional protein product. This variant has been reported in individuals and families affected with breast and/or ovarian cancer (PMID: 9663595, 11857748, 23479189, 24884479, 24916970), and has been identified in 19 families among the CIMBA participants (PMID: 29446198). This variant has not been identified in the general population by the Genome Aggregation Database (gnomAD). Loss of BRCA1 function is a known mechanism of disease. Based on the available evidence, this variant is classified as Pathogenic.

Revvity Omics, Revvity
Classification: Pathogenic. Last evaluated: 2022-04-20. Review status: criteria provided, single submitter. Criteria: ACMG Guidelines, 2015. Collection method: clinical testing. Allele origin: germline. Not counted in ClinVar's aggregate classification.

Women's Health and Genetics/Laboratory Corporation of America, LabCorp
Classification: Pathogenic for Hereditary breast ovarian cancer syndrome. Last evaluated: 2021-11-24. Review status: criteria provided, single submitter. Criteria: LabCorp Variant Classification Summary - May 2015. Collection method: clinical testing. Allele origin: germline. Not counted in ClinVar's aggregate classification.
Comment: Variant summary: BRCA1 c.3257T>G (p.Leu1086X) results in a premature termination codon, predicted to cause a truncation of the encoded protein or absence of the protein due to nonsense mediated decay, which are commonly known mechanisms for disease. Truncations downstream of this position have been classified as pathogenic by our laboratory. The variant was absent in 250570 control chromosomes. c.3257T>G has been reported in the literature in multiple individuals affected with Hereditary Breast And Ovarian Cancer Syndrome (example, Rebbeck_2018). These data indicate that the variant is very likely to be associated with disease. To our knowledge, no experimental evidence demonstrating an impact on protein function has been reported. Multiple clinical diagnostic laboratories, an expert panel (ENIGMA) and a consortium (CIMBA) have submitted clinical-significance assessments for this variant to ClinVar after 2014 without evidence for independent evaluation. All submitters classified the variant as pathogenic. Based on the evidence outlined above, the variant was classified as pathogenic.

GeneDx
Classification: Pathogenic. Last evaluated: 2019-07-29. Review status: criteria provided, single submitter. Criteria: GeneDx Variant Classification Process June 2021. Collection method: clinical testing. Allele origin: germline. Affected: yes. Not counted in ClinVar's aggregate classification.
Comment: Reported previously, as c.3376 T>G using alternate nomenclature, in multiple families with breast and/or ovarian cancer (Wagner et al., 1998; Llort et al., 2002; Beristain et al., 2010; de Juan Jimenez et al., 2013; Silva et al., 2014; Minucci et al., 2015); Nonsense variant predicted to result in protein truncation or nonsense mediated decay in a gene for which loss-of-function is a known mechanism of disease; Not observed in large population cohorts (Lek et al., 2016); Reported as pathogenic in a well-curated database but additional evidence is not available (Spurdle et al., 2012); This variant is associated with the following publications: (PMID: 26026974, 25525159, 26306726, 16287141, 23479189, 22460208, 21147080, 24884479, 22984553, 11857748, 24916970, 9663595, 28127413, 23469205, 16267036, 29907814, 29446198, 30736435, 31214711)

NM_007294.4(BRCA1):c.3257T>G (p.Leu1086Ter)

Genes: BRCA1 (BRCA1 DNA repair associated; minus strand), LOC126862571 (BRD4-independent group 4 enhancer GRCh37_chr17:41243136-41244335; plus strand). Cytogenetic location: 17q21.31.
Variant type: single nucleotide variant.
Coding change: c.3257T>G on transcript NM_007294.4 (MANE Select); coding-DNA position 3257, T replaced by G.
Protein change: p.Leu1086Ter; replaces leucine 1086 with a stop codon.
Molecular consequence: nonsense. On other transcripts: intron variant (137).
Genome position (GRCh38, 1-based): chr17:43,092,274, A>C on the plus strand (T>G on the coding strand, the complement: BRCA1 is on the minus strand). VCF-style: chr17-43092274-A-C. GRCh37 (hg19) VCF-style: chr17-41244291-A-C.
Other names: 3376T>G; c.788-1242T>G (NM_001407990.1, NM_007299.4, NM_001407974.1 and 17 more transcripts); c.788-135T>G (NM_001407969.1, NM_001407968.1); c.578-1242T>G (NM_001408492.1, NM_001408513.1, NM_001408489.1 and 9 more transcripts); c.644-1242T>G (NM_001408468.1, NM_001408465.1, NM_001408463.1 and 3 more transcripts); c.524-1242T>G (NM_001408501.1, NM_001408500.1, NM_001408497.1 and 3 more transcripts); c.647-1242T>G (NM_001408455.1, NM_001408466.1, NM_001408452.1 and 11 more transcripts); c.521-1242T>G (NM_001408503.1, NM_001408505.1, NM_001408504.1); and 43 more; short protein forms L1086*, L1039*, L1015*, L1016*, L1019*, L1045*, L959*, L974*.
Identifiers: ClinVar variation 54810 (VCV000054810.42), dbSNP rs80357006, ClinGen allele CA002108.